The following is an entry in ClinVar:

NM_001013.4(RPS9):c.309G>A (p.Glu103=)

Gene: RPS9 (ribosomal protein S9; plus strand). Cytogenetic location: 19q13.42.
Variant type: single nucleotide variant.
Coding change: c.309G>A on transcript NM_001013.4 (MANE Select); coding-DNA position 309, G replaced by A.
Protein change: p.Glu103=; no amino-acid change (glutamic acid 103 retained).
Molecular consequence: synonymous variant. On other transcripts: non-coding transcript variant (2), intron variant (1).
Genome position (GRCh38, 1-based): chr19:54,206,364, G>A. VCF-style: chr19-54206364-G-A. GRCh37 (hg19) VCF-style: chr19-54710232-G-A.
Other names: c.309G>A, p.Glu103= (NM_001321701.2, NM_001321702.2, NM_001321704.2); c.186G>A, p.Glu62= (NM_001321705.2); c.221-1034G>A (NM_001321706.2).
Identifiers: ClinVar variation 3042820 (VCV003042820.2), dbSNP rs201691172, ClinGen allele CA309389592.

ClinVar aggregate classification (germline): Benign (0 of 4 stars; one submission).

Conditions:
RPS9-related disorder. Also called: RPS9-related condition.

Allele frequency attached by ClinVar (database versions not stated): TOPMed 0.00005; gnomAD 0.00029; gnomAD exomes 0.00055; ExAC 0.00140; 1000 Genomes Project 0.00200; 1000 Genomes Project 30x 0.00219.
gnomAD v4.1: 854 of 1,614,216 alleles (0.053%); highest among the groups gnomAD compares: South Asian, 0.89%; 10 homozygotes.

Submission:

PreventionGenetics, part of Exact Sciences
Classification: Benign for RPS9-related condition. Last evaluated: 2019-06-28. Review status: no assertion criteria provided. Collection method: clinical testing. Allele origin: germline.
Comment: This variant is classified as benign based on ACMG/AMP sequence variant interpretation guidelines (Richards et al. 2015 PMID: 25741868, with internal and published modifications).